The following is an entry in ClinVar:

NM_007294.4(BRCA1):c.1049G>C (p.Arg350Thr)

Gene: BRCA1 (BRCA1 DNA repair associated; minus strand). Cytogenetic location: 17q21.31.
Variant type: single nucleotide variant.
Coding change: c.1049G>C on transcript NM_007294.4 (MANE Select); coding-DNA position 1049, G replaced by C.
Protein change: p.Arg350Thr; replaces arginine 350 with threonine.
Molecular consequence: missense variant. On other transcripts: intron variant (137).
Genome position (GRCh38, 1-based): chr17:43,094,482, C>G on the plus strand (G>C on the coding strand, the complement: BRCA1 is on the minus strand). VCF-style: chr17-43094482-C-G. GRCh37 (hg19) VCF-style: chr17-41246499-C-G.
Other names: c.787+262G>C (NM_001407975.1, NM_001407971.1, NM_001407981.1 and 19 more transcripts); c.790+259G>C (NM_001408406.1); c.646+262G>C (NM_001408456.1, NM_001408410.1, NM_001408458.1 and 11 more transcripts); c.643+262G>C (NM_001408465.1, NM_001408463.1, NM_001408462.1 and 3 more transcripts); c.577+262G>C (NM_001408482.1, NM_001408484.1, NM_001408478.1 and 9 more transcripts); c.520+262G>C (NM_001408504.1, NM_001408503.1, NM_001408505.1); c.523+262G>C (NM_001408499.1, NM_001408498.1, NM_001408501.1 and 3 more transcripts); c.670+1364G>C (NM_001408422.1, NM_001408418.1, NM_001408423.1 and 2 more transcripts); and 40 more; short protein forms R303T, R350T, R223T, R239T, R182T, R262T, R283T, R302T.
Identifiers: ClinVar variation 1519424 (VCV001519424.9), dbSNP rs2054001685, ClinGen allele CA10599964.

ClinVar aggregate classification (germline): Conflicting classifications of pathogenicity. Review status: criteria provided, conflicting classifications (1 of 4 stars). 2 submissions from 2 submitters: Uncertain significance (1); Likely benign (1). Last evaluated 2023-03-23.

Conditions:
Hereditary cancer-predisposing syndrome. Also called: Hereditary neoplastic syndrome; Hereditary Cancer Syndrome; Tumor predisposition; Neoplastic Syndromes, Hereditary. Identifiers: Orphanet 140162, MedGen C0027672, MeSH D009386, MONDO:0015356.
Hereditary breast ovarian cancer syndrome. Also called: Hereditary breast and ovarian cancer syndrome; Hereditary breast and/or ovarian cancer syndrome; BRCA1- and BRCA2-Associated Hereditary Breast and Ovarian Cancer; Hereditary breast and ovarian cancer syndrome (HBOC); Breast and ovarian cancer; Hereditary breast and ovarian cancer. Identifiers: Orphanet 145, MedGen C0677776, MeSH D061325, MONDO:0003582. Disease mechanism: loss of function.

Submissions (2):

University of Washington Department of Laboratory Medicine, University of Washington
Classification: Likely benign for Hereditary cancer-predisposing syndrome. Last evaluated: 2023-03-23. Review status: criteria provided, single submitter. Criteria: Dines et al. (Genet Med. 2020). Collection method: curation. Allele origin: germline.
Comment: Missense variant in a coldspot region where missense variants are very unlikely to be pathogenic (PMID:31911673).

BRCA1 coldspot (exon 11 using historical exon numbering). Reclassification based on statistical prior probability

Labcorp Genetics (formerly Invitae), Labcorp
Classification: Uncertain significance for Hereditary breast ovarian cancer syndrome. Last evaluated: 2021-11-24. Review status: criteria provided, single submitter. Criteria: Invitae Variant Classification Sherloc (09022015). Collection method: clinical testing. Allele origin: germline.
Comment: This sequence change replaces arginine, which is basic and polar, with threonine, which is neutral and polar, at codon 350 of the BRCA1 protein (p.Arg350Thr). This variant is not present in population databases (gnomAD no frequency). This variant has not been reported in the literature in individuals affected with BRCA1-related conditions. Advanced modeling of protein sequence and biophysical properties (such as structural, functional, and spatial information, amino acid conservation, physicochemical variation, residue mobility, and thermodynamic stability) performed at Invitae indicates that this missense variant is not expected to disrupt BRCA1 protein function. In summary, the available evidence is currently insufficient to determine the role of this variant in disease. Therefore, it has been classified as a Variant of Uncertain Significance.